The following is an entry in ClinVar:

ClinVar aggregate classification (germline): Likely pathogenic (1 of 4 stars; one submission).

Submission:

GeneDx
Classification: Likely pathogenic. Last evaluated: 2018-06-29. Review status: criteria provided, single submitter. Criteria: GeneDx Variant Classification (06012015). Collection method: clinical testing. Allele origin: germline. Affected: yes.
Comment: The L2356F variant in the HUWE1 gene has not been reported previously as a pathogenic variant, nor as a benign variant, to our knowledge. The L2356F variant was not observed in approximately 6500 individuals of European and African American ancestry in the NHLBI Exome Sequencing Project, indicating it is not a common benign variant in these populations. The L2356F variant is a conservative amino acid substitution, which is not likely to impact secondary protein structure as these residues share similar properties. However, this substitution occurs at a position that is conserved across species. In silico analysis is inconsistent in its predictions as to whether or not the variant is damaging to the protein structure/function. The L2356F variant is a strong candidate for a pathogenic variant, however the possibility it may be a rare benign variant cannot be excluded.

NM_031407.7(HUWE1):c.7066C>T (p.Leu2356Phe)

Gene: HUWE1 (HECT, UBA and WWE domain containing E3 ubiquitin protein ligase 1; minus strand). Cytogenetic location: Xp11.22.
Variant type: single nucleotide variant.
Coding change: c.7066C>T on transcript NM_031407.7 (MANE Select); coding-DNA position 7066, C replaced by T.
Protein change: p.Leu2356Phe; replaces leucine 2356 with phenylalanine.
Molecular consequence: missense variant.
Genome position (GRCh38, 1-based): chrX:53,563,785, G>A on the plus strand (C>T on the coding strand, the complement: HUWE1 is on the minus strand). VCF-style: chrX-53563785-G-A. GRCh37 (hg19) VCF-style: chrX-53590746-G-A.
Other names: short protein forms L2356F.
Identifiers: ClinVar variation 383940 (VCV000383940.2), dbSNP rs1057521791, ClinGen allele CA16608535.